The following is an entry in ClinVar:

ClinVar aggregate classification (germline): Benign/Likely benign. Review status: criteria provided, multiple submitters, no conflicts (2 of 4 stars). 3 submissions from 3 submitters: Benign (1); Likely benign (2). Last evaluated 2024-10-14.

Allele frequency attached by ClinVar (database versions not stated): gnomAD 0.00006; gnomAD exomes 0.00007; ESP Exome Variant Server 0.00008; TOPMed 0.00010; ExAC 0.00011.
gnomAD v4.1: 243 of 1,541,368 alleles (0.016%); highest among the groups gnomAD compares: Non-Finnish European, 0.019%; no homozygotes.

Submissions (3):

Blueprint Genetics
Classification: Likely benign. Last evaluated: 2024-10-14. Review status: criteria provided, single submitter. Criteria: ACMG Guidelines, 2015. Collection method: clinical testing. Allele origin: germline.

Women's Health and Genetics/Laboratory Corporation of America, LabCorp
Classification: Benign. Last evaluated: 2021-07-04. Review status: criteria provided, single submitter. Criteria: LabCorp Variant Classification Summary - May 2015. Collection method: clinical testing. Allele origin: germline.
Comment: Variant summary: MAP2K2 c.*20G>A is located in the untranslated mRNA region downstream of the termination codon. The variant allele was found at a frequency of 6.5e-05 in 153782 control chromosomes. The observed variant frequency is approximately 87 fold of the estimated maximal expected allele frequency for a pathogenic variant in MAP2K2 causing Cardiofaciocutaneous Syndrome phenotype (7.5e-07), strongly suggesting that the variant is benign. To our knowledge, no occurrence of c.*20G>A in individuals affected with Cardiofaciocutaneous Syndrome and no experimental evidence demonstrating its impact on protein function have been reported. One clinical diagnostic laboratory has submitted clinical-significance assessments for this variant to ClinVar after 2014 without evidence for independent evaluation and classified the variant as likely benign. Based on the evidence outlined above, the variant was classified as benign.

GeneDx
Classification: Likely benign. Last evaluated: 2018-05-09. Review status: criteria provided, single submitter. Criteria: GeneDx Variant Classification Process June 2021. Collection method: clinical testing. Allele origin: germline. Affected: yes.

NM_030662.4(MAP2K2):c.*20G>A

Gene: MAP2K2 (mitogen-activated protein kinase kinase 2; minus strand). Cytogenetic location: 19p13.3.
Variant type: single nucleotide variant.
Coding change: c.*20G>A on transcript NM_030662.4 (MANE Select); 20 bases downstream of the stop codon, G replaced by A.
Molecular consequence: 3 prime UTR variant.
Genome position (GRCh38, 1-based): chr19:4,090,578, C>T on the plus strand (G>A on the coding strand, the complement: MAP2K2 is on the minus strand). VCF-style: chr19-4090578-C-T. GRCh37 (hg19) VCF-style: chr19-4090576-C-T.
Identifiers: ClinVar variation 388412 (VCV000388412.4), dbSNP rs377441764, ClinGen allele CA9090677.